The following is an entry in ClinVar:

NM_004304.5(ALK):c.3089_3090delinsTT (p.His1030Leu)

Gene: ALK (ALK receptor tyrosine kinase; minus strand). Cytogenetic location: 2p23.2.
Variant type: Indel.
Coding change: c.3089_3090delinsTT on transcript NM_004304.5 (MANE Select); coding-DNA positions 3089 to 3090, AC replaced by TT.
Protein change: p.His1030Leu; replaces histidine 1030 with leucine.
Molecular consequence: missense variant.
Genome position (GRCh38, 1-based): chr2:29,225,543-29,225,544, GT replaced by AA on the plus strand (AC replaced by TT on the coding strand, the reverse complement: ALK is on the minus strand). VCF-style: chr2-29225543-GT-AA. GRCh37 (hg19) VCF-style: chr2-29448409-GT-AA.
Other names: short protein forms H1030L.
Identifiers: ClinVar variation 2194599 (VCV002194599.4), dbSNP rs2465966055, ClinGen allele CA2580066410.

ClinVar aggregate classification (germline): Uncertain significance (1 of 4 stars; one submission).

Conditions:
Neuroblastoma, susceptibility to, 3. Also called: ALK-Related Neuroblastic Tumor Susceptibility. Identifiers: Orphanet 635, MedGen C2751681, MONDO:0013083, OMIM 613014.

Submission:

Labcorp Genetics (formerly Invitae), Labcorp
Classification: Uncertain significance for Neuroblastoma, susceptibility to, 3. Last evaluated: 2022-09-14. Review status: criteria provided, single submitter. Criteria: Invitae Variant Classification Sherloc (09022015). Collection method: clinical testing. Allele origin: germline.
Comment: This sequence change replaces histidine, which is basic and polar, with leucine, which is neutral and non-polar, at codon 1030 of the ALK protein (p.His1030Leu). Information on the frequency of this variant in the gnomAD database is not available, as this variant may be reported differently in the database. This variant has not been reported in the literature in individuals affected with ALK-related conditions. Algorithms developed to predict the effect of missense changes on protein structure and function are either unavailable or do not agree on the potential impact of this missense change (SIFT: "Not Available"; PolyPhen-2: "Benign"; Align-GVGD: "Not Available"). In summary, the available evidence is currently insufficient to determine the role of this variant in disease. Therefore, it has been classified as a Variant of Uncertain Significance.